The following is an entry in ClinVar:

ClinVar aggregate classification (germline): Pathogenic (1 of 4 stars; one submission).

Submission:

Labcorp Genetics (formerly Invitae), Labcorp
Classification: Pathogenic. Last evaluated: 2025-10-26. Review status: criteria provided, single submitter. Criteria: Invitae Variant Classification Sherloc (09022015). Collection method: clinical testing. Allele origin: germline.
Comment: This sequence change affects an acceptor splice site in intron 16 of the COL2A1 gene. It is expected to disrupt RNA splicing. Variants that disrupt the donor or acceptor splice site typically lead to a loss of protein function (PMID: 16199547), and loss-of-function variants in COL2A1 are known to be pathogenic (PMID: 20179744). This variant is not present in population databases (gnomAD no frequency). Disruption of this splice site has been observed in individual(s) with Kniest dysplasia (PMID: 21250907). In at least one individual the variant was observed to be de novo. ClinVar contains an entry for this variant (Variation ID: 2123033). Algorithms developed to predict the effect of sequence changes on RNA splicing suggest that this variant may disrupt the consensus splice site. For these reasons, this variant has been classified as Pathogenic.

Literature cited by the submitters: PubMed 16199547; PubMed 20179744; PubMed 21250907.

NM_001844.5(COL2A1):c.1024-1G>A

Gene: COL2A1 (collagen type II alpha 1 chain; minus strand). Cytogenetic location: 12q13.11.
Variant type: single nucleotide variant.
Coding change: c.1024-1G>A on transcript NM_001844.5 (MANE Select); the canonical splice acceptor site of the intron before coding-DNA position 1024, G replaced by A.
Molecular consequence: splice acceptor variant.
Genome position (GRCh38, 1-based): chr12:47,989,806, C>T on the plus strand (G>A on the coding strand, the complement: COL2A1 is on the minus strand). VCF-style: chr12-47989806-C-T. GRCh37 (hg19) VCF-style: chr12-48383589-C-T.
Other names: c.817-1G>A (NM_033150.3).
Identifiers: ClinVar variation 2123033 (VCV002123033.4), dbSNP rs2540159072, ClinGen allele CA384555503.